The following is an entry in ClinVar:

ClinVar aggregate classification (germline): Uncertain significance (1 of 4 stars; one submission).

Conditions:
Dyskeratosis congenita. Identifiers: Orphanet 1775, MedGen C0265965, MONDO:0015780.

Submission:

Ambry Genetics
Classification: Uncertain significance for Dyskeratosis congenita. Last evaluated: 2025-06-09. Review status: criteria provided, single submitter. Criteria: Ambry Variant Classification Scheme 2023. Collection method: clinical testing. Allele origin: germline.
Comment: The p.H258N variant (also known as c.772C>A), located in coding exon 2 of the TERT gene, results from a C to A substitution at nucleotide position 772. The histidine at codon 258 is replaced by asparagine, an amino acid with similar properties. This amino acid position is conserved. In addition, this alteration is predicted to be tolerated by in silico analysis. Based on the available evidence, the clinical significance of this variant remains unclear.

NM_198253.3(TERT):c.772C>A (p.His258Asn)

Gene: TERT (telomerase reverse transcriptase; minus strand). Cytogenetic location: 5p15.33.
Variant type: single nucleotide variant.
Coding change: c.772C>A on transcript NM_198253.3 (MANE Select); coding-DNA position 772, C replaced by A.
Protein change: p.His258Asn; replaces histidine 258 with asparagine.
Molecular consequence: missense variant. On other transcripts: non-coding transcript variant (2).
Genome position (GRCh38, 1-based): chr5:1,294,114, G>T on the plus strand (C>A on the coding strand, the complement: TERT is on the minus strand). VCF-style: chr5-1294114-G-T. GRCh37 (hg19) VCF-style: chr5-1294229-G-T.
Other names: c.772C>A, p.His258Asn (NM_001193376.3); short protein forms H258N.
Identifiers: ClinVar variation 3967395 (VCV003967395.1).
Genomic context (GRCh38, chr5:1,294,114, plus strand): 5'-GTCTGGCAGGTGACACCACACAGAAACCACGGTCACTCGGTCCACGCGTCCTGCCCGGGT[G>T]GGCCCAGGACCCCTGCCCAACGGGCGTCCGCTCCGGCTCAGGGGCAGCGCCACGCCTGGG-3'
Protein context (NP_937983.2, residues 248-268): RTPVGQGSWA[His258Asn]PGRTRGPSDR